The following is an entry in ClinVar:

NM_001205293.3(CACNA1E):c.5069A>C (p.Glu1690Ala)

Gene: CACNA1E (calcium voltage-gated channel subunit alpha1 E; plus strand). Cytogenetic location: 1q25.3.
Variant type: single nucleotide variant.
Coding change: c.5069A>C on transcript NM_001205293.3 (MANE Select); coding-DNA position 5069, A replaced by C.
Protein change: p.Glu1690Ala; replaces glutamic acid 1690 with alanine.
Molecular consequence: missense variant.
Genome position (GRCh38, 1-based): chr1:181,772,161, A>C. VCF-style: chr1-181772161-A-C. GRCh37 (hg19) VCF-style: chr1-181741297-A-C.
Other names: c.5069A>C, p.Glu1690Ala (NM_000721.4); c.5012A>C, p.Glu1671Ala (NM_001205294.2); short protein forms E1671A, E1690A.
Identifiers: ClinVar variation 1704019 (VCV001704019.2), dbSNP rs1659574805, ClinGen allele CA343628169.

ClinVar aggregate classification (germline): Uncertain significance (1 of 4 stars; one submission).

Submission:

GeneDx
Classification: Uncertain significance. Last evaluated: 2022-03-03. Review status: criteria provided, single submitter. Criteria: GeneDx Variant Classification Process June 2021. Collection method: clinical testing. Allele origin: germline. Affected: yes.
Comment: Has not been previously published as pathogenic or benign to our knowledge; Not observed at significant frequency in large population cohorts (gnomAD); In silico analysis supports that this missense variant does not alter protein structure/function